The following is an entry in ClinVar:

ClinVar aggregate classification (germline): Uncertain significance. Review status: criteria provided, multiple submitters, no conflicts (2 of 4 stars). 3 submissions from 3 submitters: Uncertain significance (3). Last evaluated 2024-05-27.

Conditions:
Neurofibromatosis, type 1 (NF1). Also called: Neurofibromatosis, type I; Peripheral type neurofibromatosis; VON RECKLINGHAUSEN DISEASE; NEUROFIBROMATOSIS, TYPE I, SOMATIC. Identifiers: Orphanet 636, MedGen C0027831, MONDO:0018975, OMIM 162200. Disease mechanism: loss of function.
Hereditary cancer-predisposing syndrome. Also called: Neoplastic Syndromes, Hereditary; Hereditary Cancer Syndrome; Hereditary neoplastic syndrome; Tumor predisposition. Identifiers: Orphanet 140162, MedGen C0027672, MeSH D009386, MONDO:0015356.
Cardiovascular phenotype. Identifiers: MedGen CN230736.

gnomAD v4.1: 1 of 1,614,118 alleles (0.000062%); no homozygotes.

Submissions (3):

Labcorp Genetics (formerly Invitae), Labcorp
Classification: Uncertain significance for Neurofibromatosis, type 1. Last evaluated: 2024-05-27. Review status: criteria provided, single submitter. Criteria: Invitae Variant Classification Sherloc (09022015). Collection method: clinical testing. Allele origin: germline.
Comment: This sequence change replaces isoleucine, which is neutral and non-polar, with methionine, which is neutral and non-polar, at codon 1836 of the NF1 protein (p.Ile1836Met). This variant is not present in population databases (gnomAD no frequency). This variant has not been reported in the literature in individuals affected with NF1-related conditions. ClinVar contains an entry for this variant (Variation ID: 825789). Advanced modeling of protein sequence and biophysical properties (such as structural, functional, and spatial information, amino acid conservation, physicochemical variation, residue mobility, and thermodynamic stability) has been performed at Invitae for this missense variant, however the output from this modeling did not meet the statistical confidence thresholds required to predict the impact of this variant on NF1 protein function. In summary, the available evidence is currently insufficient to determine the role of this variant in disease. Therefore, it has been classified as a Variant of Uncertain Significance.

Genome-Nilou Lab
Classification: Uncertain significance for Neurofibromatosis, type 1. Last evaluated: 2022-03-15. Review status: criteria provided, single submitter. Criteria: ACMG Guidelines, 2015. Collection method: clinical testing. Allele origin: germline. Affected: no.

Ambry Genetics
Classification: Uncertain significance for Cardiovascular phenotype; Hereditary cancer-predisposing syndrome. Last evaluated: 2018-11-20. Review status: criteria provided, single submitter. Criteria: Ambry Variant Classification Scheme 2023. Collection method: clinical testing. Allele origin: germline.
Comment: The p.I1836M variant (also known as c.5508C>G), located in coding exon 37 of the NF1 gene, results from a C to G substitution at nucleotide position 5508. The isoleucine at codon 1836 is replaced by methionine, an amino acid with highly similar properties. This amino acid position is highly conserved in available vertebrate species. In addition, this alteration is predicted to be deleterious by in silico analysis. Since supporting evidence is limited at this time, the clinical significance of this alteration remains unclear.

NM_001042492.3(NF1):c.5571C>G (p.Ile1857Met)

Gene: NF1 (neurofibromin 1; plus strand). Cytogenetic location: 17q11.2.
Variant type: single nucleotide variant.
Coding change: c.5571C>G on transcript NM_001042492.3 (MANE Select); coding-DNA position 5571, C replaced by G.
Protein change: p.Ile1857Met; replaces isoleucine 1857 with methionine.
Molecular consequence: missense variant.
Genome position (GRCh38, 1-based): chr17:31,327,801, C>G. VCF-style: chr17-31327801-C-G. GRCh37 (hg19) VCF-style: chr17-29654819-C-G.
Other names: c.5508C>G, p.Ile1836Met (NM_000267.4); short protein forms I1857M, I1836M.
Identifiers: ClinVar variation 825789 (VCV000825789.12), dbSNP rs771837192, ClinGen allele CA399009974.